The following is an entry in ClinVar:

ClinVar aggregate classification (germline): Benign/Likely benign. Review status: criteria provided, multiple submitters, no conflicts (2 of 4 stars). 3 submissions from 3 submitters: Benign (1); Likely benign (1). 1 of the submissions does not count toward it. Last evaluated 2024-09-05.

Conditions:
DLL3-related disorder. Also called: DLL3-related condition.

Allele frequency attached by ClinVar (database versions not stated): TOPMed 0.00002; gnomAD 0.00004; gnomAD exomes 0.00010; ExAC 0.00049.
gnomAD v4.1: 147 of 1,582,558 alleles (0.0093%); highest among the groups gnomAD compares: South Asian, 0.12%; 4 homozygotes.

Submissions (3):

Blueprint Genetics
Classification: Likely benign. Last evaluated: 2024-09-05. Review status: criteria provided, single submitter. Criteria: ACMG Guidelines, 2015. Collection method: clinical testing. Allele origin: germline.

Labcorp Genetics (formerly Invitae), Labcorp
Classification: Benign. Last evaluated: 2024-02-27. Review status: criteria provided, single submitter. Criteria: Invitae Variant Classification Sherloc (09022015). Collection method: clinical testing. Allele origin: germline.

PreventionGenetics, part of Exact Sciences
Classification: Likely benign for DLL3-related condition. Last evaluated: 2019-07-30. Review status: no assertion criteria provided. Collection method: clinical testing. Allele origin: germline. Not counted in ClinVar's aggregate classification.
Comment: This variant is classified as likely benign based on ACMG/AMP sequence variant interpretation guidelines (Richards et al. 2015 PMID: 25741868, with internal and published modifications).

NM_203486.3(DLL3):c.70-4C>T

Gene: DLL3 (delta like canonical Notch ligand 3; plus strand). Cytogenetic location: 19q13.2.
Variant type: single nucleotide variant.
Coding change: c.70-4C>T on transcript NM_203486.3 (MANE Select); 4 bases into the intron before coding-DNA position 70, C replaced by T.
Molecular consequence: intron variant.
Genome position (GRCh38, 1-based): chr19:39,499,188, C>T. VCF-style: chr19-39499188-C-T. GRCh37 (hg19) VCF-style: chr19-39989828-C-T.
Other names: c.70-4C>T (NM_016941.3, NM_016941.4).
Identifiers: ClinVar variation 2890041 (VCV002890041.6), dbSNP rs753469973, ClinGen allele CA9432107.